The following is an entry in ClinVar:

ClinVar aggregate classification (germline): Uncertain significance (1 of 4 stars; one submission).

Submission:

GeneDx
Classification: Uncertain significance. Last evaluated: 2025-04-17. Review status: criteria provided, single submitter. Criteria: GeneDx Variant Classification Process June 2021. Collection method: clinical testing. Allele origin: germline. Affected: yes.
Comment: Not observed at significant frequency in large population cohorts (gnomAD); In silico analysis indicates that this missense variant does not alter protein structure/function; Has not been previously published as pathogenic or benign to our knowledge

NM_000071.3(CBS):c.523T>A (p.Ser175Thr)

Gene: CBS (cystathionine beta-synthase; minus strand). Cytogenetic location: 21q22.3.
Variant type: single nucleotide variant.
Coding change: c.523T>A on transcript NM_000071.3 (MANE Select); coding-DNA position 523, T replaced by A.
Protein change: p.Ser175Thr; replaces serine 175 with threonine.
Molecular consequence: missense variant.
Genome position (GRCh38, 1-based): chr21:43,065,624, A>T on the plus strand (T>A on the coding strand, the complement: CBS is on the minus strand). VCF-style: chr21-43065624-A-T. GRCh37 (hg19) VCF-style: chr21-44485734-A-T.
Other names: c.523T>A, p.Ser175Thr (NM_001320298.2, NM_001178008.3, NM_001178009.3); c.208T>A, p.Ser70Thr (NM_001321072.1); short protein forms S175T, S70T.
Identifiers: ClinVar variation 4282149 (VCV004282149.1).
Genomic context (GRCh38, chr21:43,065,624, plus strand): 5'-AGGCACCCTCATCCCCTGCCCTATGACCCCGCCCCTGGCCACGCCCACCCACCTTCTCGG[A>T]GCTCATCTTCTCTGGCATCACGATGATGCAGCGATAGCCCCTCACTGCCGCAGCCAGGGC-3'
Protein context (NP_000062.1, residues 165-185): CIIVMPEKMS[Ser175Thr]EKVDVLRALG